The following is an entry in ClinVar:

NM_052989.3(IFT122):c.2302G>A (p.Val768Met)

Gene: IFT122 (intraflagellar transport 122; plus strand). Cytogenetic location: 3q21.3.
Variant type: single nucleotide variant.
Coding change: c.2302G>A on transcript NM_052989.3 (MANE Select); coding-DNA position 2302, G replaced by A.
Protein change: p.Val768Met; replaces valine 768 with methionine.
Molecular consequence: missense variant.
Genome position (GRCh38, 1-based): chr3:129,499,995, G>A. VCF-style: chr3-129499995-G-A. GRCh37 (hg19) VCF-style: chr3-129218838-G-A.
Other names: c.2278G>A, p.Val760Met (NM_001280541.2); c.1852G>A, p.Val618Met (NM_001280545.2); c.1675G>A, p.Val559Met (NM_001280546.2); c.2125G>A, p.Val709Met (NM_018262.4); c.2455G>A, p.Val819Met (NM_052985.4); c.1969G>A, p.Val657Met (NM_052990.3); short protein forms V709M, V760M, V618M, V657M, V768M, V819M, V559M.
Identifiers: ClinVar variation 653671 (VCV000653671.1), dbSNP rs561825107, ClinGen allele CA2606466.

ClinVar aggregate classification (germline): Uncertain significance (1 of 4 stars; one submission).

Conditions:
Cranioectodermal dysplasia 1 (CED1). Also called: LEVIN SYNDROME I. Identifiers: Orphanet 1515, MedGen C0432235, MONDO:0021093, OMIM 218330.

Allele frequency attached by ClinVar (database versions not stated): TOPMed below 0.00001; gnomAD 0.00001; gnomAD exomes 0.00001 and 0.00002; ExAC 0.00002; 1000 Genomes Project 30x 0.00016; 1000 Genomes Project 0.00020.
gnomAD v4.1: 13 of 1,614,204 alleles (0.00081%); highest among the groups gnomAD compares: South Asian, 0.0011%; no homozygotes.

Submission:

Labcorp Genetics (formerly Invitae), Labcorp
Classification: Uncertain significance for Cranioectodermal dysplasia 1. Last evaluated: 2018-12-18. Review status: criteria provided, single submitter. Criteria: Invitae Variant Classification Sherloc (09022015). Collection method: clinical testing. Allele origin: germline.
Comment: This sequence change replaces valine with methionine at codon 819 of the IFT122 protein (p.Val819Met). The valine residue is moderately conserved and there is a small physicochemical difference between valine and methionine. This variant is present in population databases (rs561825107, ExAC 0.006%). This variant has not been reported in the literature in individuals with IFT122-related conditions. Algorithms developed to predict the effect of missense changes on protein structure and function are either unavailable or do not agree on the potential impact of this missense change (SIFT: "Deleterious"; PolyPhen-2: "Possibly Damaging"; Align-GVGD: "Class C0"). In summary, the available evidence is currently insufficient to determine the role of this variant in disease. Therefore, it has been classified as a Variant of Uncertain Significance.